The following is an entry in ClinVar:

NM_032620.4(GTPBP3):c.664+32_664+34dup

Gene: GTPBP3 (GTP binding protein 3, mitochondrial; plus strand). Cytogenetic location: 19p13.11.
Variant type: Duplication.
Coding change: c.664+32_664+34dup on transcript NM_032620.4 (MANE Select); bases 32 to 34 of the intron after coding-DNA position 664, 3 bases duplicated (ACC; older notation c.664+32_664+34dupACC).
Molecular consequence: intron variant. On other transcripts: inframe insertion (1).
Genome position (GRCh38, 1-based): chr19:17,339,058-17,339,060, ACC duplicated; duplicating any 3 consecutive bases within chr19:17,339,057-17,339,060 gives the same sequence; the c. name uses the placement nearest the transcript's 3' end. VCF-style (leftmost placement, unchanged base first): chr19-17339056-A-ACAC. GRCh37 (hg19) VCF-style: chr19-17449865-A-ACAC.
Other names: c.696_698dup, p.Pro233_His234insPro (NM_133644.4); c.730+32_730+34dup (NM_001195422.1); c.664+32_664+34dup (NM_001128855.3).
Identifiers: ClinVar variation 3392886 (VCV003392886.1).
Genomic context (GRCh38, chr19:17,339,056, plus strand): 5'-GACAACCTGGAGGAGGGGGTCCTGGAGCAAGGTGGGTCTACCTGGTGGTGGGGGAGGAAG[A>ACAC]CACCTCATATCAGCCCTCAAAGGCTCCCCTCACTGTCTCTCTCTGCCTGCCTTCTCTCAC-3'

ClinVar aggregate classification (germline): Uncertain significance (1 of 4 stars; one submission).

Submission:

GeneDx
Classification: Uncertain significance. Last evaluated: 2024-06-27. Review status: criteria provided, single submitter. Criteria: GeneDx Variant Classification Process June 2021. Collection method: clinical testing. Allele origin: germline. Affected: yes.
Comment: Not observed at significant frequency in large population cohorts (gnomAD); In-frame insertion of 1 amino acid in a non-repeat region; Has not been previously published as pathogenic or benign to our knowledge